The following is an entry in ClinVar:

NM_001126108.2(SLC12A3):c.2978G>A (p.Trp993Ter)

Genes: SLC12A3 (solute carrier family 12 member 3; plus strand), LOC126862361 (CDK7 strongly-dependent group 2 enhancer GRCh37_chr16:56946332-56947531; plus strand). Cytogenetic location: 16q13.
Variant type: single nucleotide variant.
Coding change: c.2978G>A on transcript NM_001126108.2 (MANE Select); coding-DNA position 2978, G replaced by A.
Protein change: p.Trp993Ter; replaces tryptophan 993 with a stop codon.
Molecular consequence: nonsense.
Genome position (GRCh38, 1-based): chr16:56,913,317, G>A. VCF-style: chr16-56913317-G-A. GRCh37 (hg19) VCF-style: chr16-56947229-G-A.
Other names: c.3005G>A, p.Trp1002Ter (NM_000339.3); c.3002G>A, p.Trp1001Ter (NM_001126107.2); c.2975G>A, p.Trp992Ter (NM_001410896.1); c.3005G>A (NM_000339.2); short protein forms W1002*, W993*, W1001*, W992*.
Identifiers: ClinVar variation 2828083 (VCV002828083.7), dbSNP rs1272158837, ClinGen allele CA396005872.
Genomic context (GRCh38, chr16:56,913,317, plus strand): 5'-CTTGCAGCACTTTGCCCATAGGGAGGAAGGGGAAGTGCCCCAGCTCGCTGTACATGGCCT[G>A]GCTGGAGACCCTGTCCCAGGACCTCAGACCTCCAGTCATCCTGATCCGAGGAAACCAGGA-3'

ClinVar aggregate classification (germline): Pathogenic/Likely pathogenic. Review status: criteria provided, multiple submitters, no conflicts (2 of 4 stars). 4 submissions from 4 submitters: Pathogenic (1); Likely pathogenic (3). Last evaluated 2025-12-22.

Conditions:
Familial hypokalemia-hypomagnesemia (GTLMNS). Also called: HYPOMAGNESEMIA-HYPOKALEMIA, PRIMARY RENOTUBULAR, WITH HYPOCALCIURIA; POTASSIUM AND MAGNESIUM DEPLETION; gitelman syndrome. Identifiers: Orphanet 358, MedGen C0268450, MONDO:0009904, OMIM 263800.

Submissions (4):

Natera, Inc.
Classification: Likely pathogenic for Gitelman syndrome. Last evaluated: 2025-12-22. Review status: criteria provided, single submitter. Criteria: Natera Variant Classification Schema (03/2026). Collection method: clinical testing. Allele origin: germline.
Comment: The c.3005G>A variant in SLC12A3 is a nonsense variant predicted to introduce a stop codon at amino acid 1002. This variant is expected to result in nonsense mediated decay, truncation, or a dysfunctional protein product. This variant is rare in the general population with a frequency below the threshold expected for the associated phenotype(s). This variant has been observed in one or more individuals affected with the associated recessive disease, as either homozygous or compound heterozygous with a second variant (PMID: 37078890, 30136149). Given the available evidence, this variant is classified as Likely Pathogenic.

Fulgent Genetics
Classification: Likely pathogenic for Familial hypokalemia-hypomagnesemia. Last evaluated: 2024-05-11. Review status: criteria provided, single submitter. Criteria: ACMG Guidelines, 2015. Collection method: clinical testing. Allele origin: germline.

Labcorp Genetics (formerly Invitae), Labcorp
Classification: Pathogenic. Last evaluated: 2023-01-13. Review status: criteria provided, single submitter. Criteria: Invitae Variant Classification Sherloc (09022015). Collection method: clinical testing. Allele origin: germline.
Comment: For these reasons, this variant has been classified as Pathogenic. This variant disrupts a region of the SLC12A3 protein in which other variant(s) (p.Arg1018*) have been determined to be pathogenic (PMID: 12911530, 23475471, 29942493). This suggests that this is a clinically significant region of the protein, and that variants that disrupt it are likely to be disease-causing. This variant has not been reported in the literature in individuals affected with SLC12A3-related conditions. This variant is not present in population databases (gnomAD no frequency). This sequence change creates a premature translational stop signal (p.Trp1002*) in the SLC12A3 gene. While this is not anticipated to result in nonsense mediated decay, it is expected to disrupt the last 29 amino acid(s) of the SLC12A3 protein.

Juno Genomics, Hangzhou Juno Genomics, Inc
Classification: Likely pathogenic for Familial hypokalemia-hypomagnesemia. Review status: criteria provided, single submitter. Criteria: ACMG Guidelines, 2015. Collection method: clinical testing. Allele origin: germline.
Comment: Absent from controls (or at extremely low frequency if recessive) in Genome Aggregation Database.;Null variant in a gene where loss of function (LOF) is a known mechanism of disease.;For recessive disorders, detected in trans with a pathogenic variant.

Literature cited by the submitters: PubMed 37078890 (cited by Natera, Inc.); PubMed 30136149 (cited by Natera, Inc.); PubMed 12911530 (cited by Labcorp Genetics (formerly Invitae), Labcorp); PubMed 23475471 (cited by Labcorp Genetics (formerly Invitae), Labcorp); PubMed 29942493 (cited by Labcorp Genetics (formerly Invitae), Labcorp).